The following is an entry in ClinVar:

ClinVar aggregate classification (germline): Uncertain significance (1 of 4 stars; one submission).

Submission:

Greenwood Genetic Center Diagnostic Laboratories, Greenwood Genetic Center
Classification: Uncertain significance. Last evaluated: 2023-07-03. Review status: criteria provided, single submitter. Criteria: ACMG Guidelines, 2015. Collection method: clinical testing. Allele origin: germline. Affected: yes.
Comment: PM2

NM_007118.4(TRIO):c.2755-3C>T

Gene: TRIO (trio Rho guanine nucleotide exchange factor; plus strand). Cytogenetic location: 5p15.2.
Variant type: single nucleotide variant.
Coding change: c.2755-3C>T on transcript NM_007118.4 (MANE Select); 3 bases into the intron before coding-DNA position 2755, C replaced by T.
Molecular consequence: intron variant.
Genome position (GRCh38, 1-based): chr5:14,366,857, C>T. VCF-style: chr5-14366857-C-T. GRCh37 (hg19) VCF-style: chr5-14366966-C-T.
Identifiers: ClinVar variation 2626987 (VCV002626987.1), dbSNP rs2532672017, ClinGen allele CA2582341572.
Genomic context (GRCh38, chr5:14,366,857, plus strand): 5'-CTGGTGGTCCACAGGATTCTCTGGGAAGTCCACTGCTTGGAGTTATCCTGTGTAATGTTT[C>T]AGGTGCTGGGTTGGATCCGCAACGGAGAGTCCATGTTAAATGCCGGACTTATCACAGCCA-3'